The following is an entry in ClinVar:

ClinVar aggregate classification (germline): Uncertain significance (1 of 4 stars; one submission).

Conditions:
Hereditary spastic paraplegia 3A (SPG3A). Also called: SPASTIC PARAPLEGIA 3, AUTOSOMAL DOMINANT; FAMILIAL SPASTIC PARAPLEGIA, AUTOSOMAL DOMINANT, 1; SPG3; STRUMPELL DISEASE; Spastic Paraplegia 3A; Spastic paraplegia 3A, autosomal dominant. Identifiers: Orphanet 100984, MedGen C2931355, MONDO:0008437, OMIM 182600.

Allele frequency attached by ClinVar (database versions not stated): ExAC 0.00001; gnomAD 0.00001; gnomAD exomes 0.00001; TOPMed 0.00001.
gnomAD v4.1: 22 of 1,614,102 alleles (0.0014%); highest among the groups gnomAD compares: South Asian, 0.0022%; no homozygotes.

Submission:

Labcorp Genetics (formerly Invitae), Labcorp
Classification: Uncertain significance for Hereditary spastic paraplegia 3A. Last evaluated: 2021-03-17. Review status: criteria provided, single submitter. Criteria: Invitae Variant Classification Sherloc (09022015). Collection method: clinical testing. Allele origin: germline.
Comment: In summary, the available evidence is currently insufficient to determine the role of this variant in disease. Therefore, it has been classified as a Variant of Uncertain Significance. Advanced modeling of protein sequence and biophysical properties (such as structural, functional, and spatial information, amino acid conservation, physicochemical variation, residue mobility, and thermodynamic stability) performed at Invitae indicates that this missense variant is not expected to disrupt ATL1 protein function. This variant has not been reported in the literature in individuals with ATL1-related conditions. The frequency data for this variant in the population databases is considered unreliable, as metrics indicate poor data quality at this position in the ExAC database. This sequence change replaces glutamic acid with aspartic acid at codon 397 of the ATL1 protein (p.Glu397Asp). The glutamic acid residue is moderately conserved and there is a small physicochemical difference between glutamic acid and aspartic acid.

NM_015915.5(ATL1):c.1191A>C (p.Glu397Asp)

Gene: ATL1 (atlastin GTPase 1; plus strand). Cytogenetic location: 14q22.1.
Variant type: single nucleotide variant.
Coding change: c.1191A>C on transcript NM_015915.5 (MANE Select); coding-DNA position 1191, A replaced by C.
Protein change: p.Glu397Asp; replaces glutamic acid 397 with aspartic acid.
Molecular consequence: missense variant.
Genome position (GRCh38, 1-based): chr14:50,628,102, A>C. VCF-style: chr14-50628102-A-C. GRCh37 (hg19) VCF-style: chr14-51094820-A-C.
Other names: c.1191A>C, p.Glu397Asp (NM_001127713.1, NM_181598.4); short protein forms E397D.
Identifiers: ClinVar variation 1406163 (VCV001406163.8), dbSNP rs781773446, ClinGen allele CA7180451.